The following is an entry in ClinVar:

NM_004820.5(CYP7B1):c.360G>C (p.Glu120Asp)

Gene: CYP7B1 (cytochrome P450 family 7 subfamily B member 1; minus strand). Cytogenetic location: 8q12.3.
Variant type: single nucleotide variant.
Coding change: c.360G>C on transcript NM_004820.5 (MANE Select); coding-DNA position 360, G replaced by C.
Protein change: p.Glu120Asp; replaces glutamic acid 120 with aspartic acid.
Molecular consequence: missense variant.
Genome position (GRCh38, 1-based): chr8:64,616,181, C>G on the plus strand (G>C on the coding strand, the complement: CYP7B1 is on the minus strand). VCF-style: chr8-64616181-C-G. GRCh37 (hg19) VCF-style: chr8-65528738-C-G.
Other names: c.360G>C, p.Glu120Asp (NM_001324112.2); c.360G>C (NM_004820.3); short protein forms E120D.
Identifiers: ClinVar variation 1469889 (VCV001469889.8), dbSNP rs1471658177, ClinGen allele CA371336000.

ClinVar aggregate classification (germline): Uncertain significance. Review status: criteria provided, multiple submitters, no conflicts (2 of 4 stars). 2 submissions from 2 submitters: Uncertain significance (2). Last evaluated 2025-10-07.

Conditions:
Inborn genetic diseases. Identifiers: MedGen C0950123, MeSH D030342.
Spastic paraplegia. Identifiers: MedGen C0037772, HP:0001258.

Allele frequency attached by ClinVar (database versions not stated): gnomAD exomes below 0.00001; gnomAD 0.00001.
gnomAD v4.1: 2 of 1,610,754 alleles (0.00012%); highest among the groups gnomAD compares: Non-Finnish European, 0.00017%; no homozygotes.

Submissions (2):

Ambry Genetics
Classification: Uncertain significance for Inborn genetic diseases. Last evaluated: 2025-10-07. Review status: criteria provided, single submitter. Criteria: Ambry Variant Classification Scheme 2023. Collection method: clinical testing. Allele origin: germline.

Labcorp Genetics (formerly Invitae), Labcorp
Classification: Uncertain significance for Spastic paraplegia. Last evaluated: 2021-06-07. Review status: criteria provided, single submitter. Criteria: Invitae Variant Classification Sherloc (09022015). Collection method: clinical testing. Allele origin: germline.
Comment: Algorithms developed to predict the effect of missense changes on protein structure and function (SIFT, PolyPhen-2, Align-GVGD) all suggest that this variant is likely to be tolerated, but these predictions have not been confirmed by published functional studies and their clinical significance is uncertain. In summary, the available evidence is currently insufficient to determine the role of this variant in disease. Therefore, it has been classified as a Variant of Uncertain Significance. This variant has not been reported in the literature in individuals with CYP7B1-related conditions. This variant is not present in population databases (ExAC no frequency). This sequence change replaces glutamic acid with aspartic acid at codon 120 of the CYP7B1 protein (p.Glu120Asp). The glutamic acid residue is weakly conserved and there is a small physicochemical difference between glutamic acid and aspartic acid.